The following is an entry in ClinVar:

NM_020458.4(TTC7A):c.1128G>C (p.Leu376Phe)

Gene: TTC7A (tetratricopeptide repeat domain 7A; plus strand). Cytogenetic location: 2p21.
Variant type: single nucleotide variant.
Coding change: c.1128G>C on transcript NM_020458.4 (MANE Select); coding-DNA position 1128, G replaced by C.
Protein change: p.Leu376Phe; replaces leucine 376 with phenylalanine.
Molecular consequence: missense variant.
Genome position (GRCh38, 1-based): chr2:47,005,984, G>C. VCF-style: chr2-47005984-G-C. GRCh37 (hg19) VCF-style: chr2-47233123-G-C.
Other names: c.1128G>C, p.Leu376Phe (NM_001288951.2); c.1026G>C, p.Leu342Phe (NM_001288953.2); c.66G>C, p.Leu22Phe (NM_001288955.2); short protein forms L22F, L342F, L376F.
Identifiers: ClinVar variation 3624612 (VCV003624612.2).
Genomic context (GRCh38, chr2:47,005,984, plus strand): 5'-AACTCGAGATGTGGTGCTGAGCCGGGTGCCGGAGCAGGAGGAGGACCGGACAGTGAGCTT[G>C]CAGAATGCCGCAGCCATCTATGACCTCCTGAGCATCACGTTGGGCAGAAGGGGACAGTAC-3'
Protein context (NP_065191.2, residues 366-386): PEQEEDRTVS[Leu376Phe]QNAAAIYDLL

ClinVar aggregate classification (germline): Uncertain significance (1 of 4 stars; one submission).

Conditions:
Multiple gastrointestinal atresias. Also called: FAMILIAL INTESTINAL POLYATRESIA SYNDROME; Multiple intestinal atresia. Identifiers: Orphanet 2300, MedGen C0220744, MONDO:0009465.

gnomAD v4.1: 8 of 1,614,092 alleles (0.0005%); highest among the groups gnomAD compares: Non-Finnish European, 0.00068%; no homozygotes.

Submission:

Labcorp Genetics (formerly Invitae), Labcorp
Classification: Uncertain significance for Multiple gastrointestinal atresias. Last evaluated: 2025-10-06. Review status: criteria provided, single submitter. Criteria: Invitae Variant Classification Sherloc (09022015). Collection method: clinical testing. Allele origin: germline.
Comment: This sequence change replaces leucine, which is neutral and non-polar, with phenylalanine, which is neutral and non-polar, at codon 376 of the TTC7A protein (p.Leu376Phe). This variant is not present in population databases (gnomAD no frequency). This variant has not been reported in the literature in individuals affected with TTC7A-related conditions. ClinVar contains an entry for this variant (Variation ID: 3624612). Invitae Evidence Modeling of protein sequence and biophysical properties (such as structural, functional, and spatial information, amino acid conservation, physicochemical variation, residue mobility, and thermodynamic stability) indicates that this missense variant is not expected to disrupt TTC7A protein function with a negative predictive value of 80%. In summary, the available evidence is currently insufficient to determine the role of this variant in disease. Therefore, it has been classified as a Variant of Uncertain Significance.